The following is an entry in ClinVar:

NM_001039141.3(TRIOBP):c.628+2T>C

Gene: TRIOBP (TRIO and F-actin binding protein; plus strand). Cytogenetic location: 22q13.1.
Variant type: single nucleotide variant.
Coding change: c.628+2T>C on transcript NM_001039141.3 (MANE Select); the canonical splice donor site of the intron after coding-DNA position 628, T replaced by C.
Molecular consequence: splice donor variant.
Genome position (GRCh38, 1-based): chr22:37,715,936, T>C. VCF-style: chr22-37715936-T-C. GRCh37 (hg19) VCF-style: chr22-38111943-T-C.
Identifiers: ClinVar variation 3372491 (VCV003372491.1).
Genomic context (GRCh38, chr22:37,715,936, plus strand): 5'-TCCGTCTCTCCTCACCAGGTCCCCTGTGGGAGGAGATGCTGCAGGCCAGAAAAAGGAGGG[T>C]GAGTCCTTCTGCCAGGTTGGTTCCCATGGTGATGGCCTGGGGCCCCCCAGATAGCCATCT-3'

ClinVar aggregate classification (germline): Likely pathogenic (1 of 4 stars; one submission).

Submission:

GeneDx
Classification: Likely pathogenic. Last evaluated: 2024-04-17. Review status: criteria provided, single submitter. Criteria: GeneDx Variant Classification Process June 2021. Collection method: clinical testing. Allele origin: germline. Affected: yes.
Comment: Canonical splice site variant predicted to result in a null allele in a gene for which loss of function is a known mechanism of disease; Not observed at significant frequency in large population cohorts (gnomAD); Has not been previously published as pathogenic or benign to our knowledge